The following is an entry in ClinVar:

ClinVar aggregate classification (germline): Pathogenic/Likely pathogenic. Review status: criteria provided, multiple submitters, no conflicts (2 of 4 stars). 4 submissions from 4 submitters: Pathogenic (1); Likely pathogenic (2). 1 of the submissions does not count toward it. Last evaluated 2023-06-02.

Conditions:
Cortical dysplasia-focal epilepsy syndrome (PTHSL1). Also called: Pitt-Hopkins-like syndrome 1. Identifiers: Orphanet 163681, Orphanet 221150, MedGen C2750246, MONDO:0012400, OMIM 610042.
CNTNAP2-related disorders.

Submissions (4):

3billion
Classification: Pathogenic for Cortical dysplasia-focal epilepsy syndrome. Last evaluated: 2023-06-02. Review status: criteria provided, single submitter. Criteria: ACMG Guidelines, 2015. Collection method: clinical testing. Allele origin: germline. Affected: yes.
Comment: The variant is not observed in the gnomAD v2.1.1 dataset. Predicted Consequence/Location: Frameshift: predicted to result in a loss or disruption of normal protein function through nonsense-mediated decay (NMD) or protein truncation. Multiple pathogenic variants are reported downstream of the variant. The variant has been reported at least twice as pathogenic without evidence for the classification (ClinVar ID: VCV000930571 /PMID: 36011376 /3billion dataset). Therefore, this variant is classified as Pathogenic according to the recommendation of ACMG/AMP guideline.

Blueprint Genetics
Classification: Likely pathogenic for CNTNAP2-related disorders. Last evaluated: 2020-10-29. Review status: criteria provided, single submitter. Criteria: ACMG Guidelines, 2015. Collection method: clinical testing. Allele origin: germline. Affected: yes. Observed: 2 variant alleles.

Centre for Mendelian Genomics, University Medical Centre Ljubljana
Classification: Likely pathogenic for Cortical dysplasia-focal epilepsy syndrome. Last evaluated: 2019-09-04. Review status: criteria provided, single submitter. Criteria: ACMG Guidelines, 2015. Collection method: clinical testing. Allele origin: unknown. Affected: yes.
Comment: This variant was classified as: Likely pathogenic. The following ACMG criteria were applied in classifying this variant: PVS1,PM2.

St. Anna Children's Cancer Research Institute (CCRI)
Classification: Pathogenic for Cortical dysplasia-focal epilepsy syndrome. Last evaluated: 2023-02-08. Review status: no assertion criteria provided. Collection method: research. Allele origin: unknown. Inheritance: Autosomal recessive inheritance. Affected: yes. Observed: 1 homozygote. Not counted in ClinVar's aggregate classification.
Comment: ACMG classification: PVS1, PM2, PP1 (strong) PM3 (4 score)

Literature cited by the submitters: PubMed 36011376 (cited by 3billion).

NM_014141.6(CNTNAP2):c.1361_1362del (p.Asn454fs)

Gene: CNTNAP2 (contactin associated protein 2; plus strand). Cytogenetic location: 7q35.
Variant type: Deletion.
Coding change: c.1361_1362del on transcript NM_014141.6 (MANE Select); coding-DNA positions 1361 to 1362, 2 bases deleted (AT; older notation c.1361_1362delAT).
Protein change: p.Asn454fs; shifts the reading frame from asparagine 454.
Molecular consequence: frameshift variant.
Genome position (GRCh38, 1-based): chr7:147,300,153-147,300,154, AT deleted. VCF-style (leftmost placement, unchanged base first): chr7-147300152-AAT-A. GRCh37 (hg19) VCF-style: chr7-146997244-AAT-A.
Other names: short protein forms N454fs.
Identifiers: ClinVar variation 930571 (VCV000930571.8), dbSNP rs1794916576, ClinGen allele CA1139660319.